The following is an entry in ClinVar:

NM_001267550.2(TTN):c.95395A>G (p.Ile31799Val)

Genes: TTN (titin; minus strand), TTN-AS1 (TTN antisense RNA 1; plus strand). Cytogenetic location: 2q31.2.
Variant type: single nucleotide variant.
Coding change: c.95395A>G on transcript NM_001267550.2 (MANE Select); coding-DNA position 95395, A replaced by G.
Protein change: p.Ile31799Val; replaces isoleucine 31799 with valine.
Molecular consequence: missense variant.
Genome position (GRCh38, 1-based): chr2:178,545,841, T>C on the plus strand (A>G on the coding strand, the complement: TTN is on the minus strand). VCF-style: chr2-178545841-T-C. GRCh37 (hg19) VCF-style: chr2-179410568-T-C.
Other names: c.90472A>G, p.Ile30158Val (NM_001256850.1); c.68200A>G, p.Ile22734Val (NM_003319.4); c.87691A>G, p.Ile29231Val (NM_133378.4); c.68575A>G, p.Ile22859Val (NM_133432.3); c.68776A>G, p.Ile22926Val (NM_133437.4); short protein forms I22734V, I22859V, I22926V, I31799V, I29231V, I30158V.
Identifiers: ClinVar variation 681568 (VCV000681568.25), dbSNP rs370916420, ClinGen allele CA1986965.
Genomic context (GRCh38, chr2:178,545,841, plus strand): 5'-ATTTCAACTGTCAAATTATTTAAAAGTGTTAATACTTACTGAATGAGTTTCTGGCTACAA[T>C]TGGCTCTGATTCAACAGGCACACCAGGGCCATATTTGTTTACTGCCCTCACTCGGAATAT-3'
Protein context (NP_001254479.2, residues 31789-31809): GPGVPVESEP[Ile31799Val]VARNSFTIPS

ClinVar aggregate classification (germline): Conflicting classifications of pathogenicity. Review status: criteria provided, conflicting classifications (1 of 4 stars). 5 submissions from 5 submitters: Uncertain significance (1); Likely benign (4). Last evaluated 2026-05-01.

Allele frequency attached by ClinVar (database versions not stated): TOPMed 0.00002; gnomAD 0.00004 and 0.00005; gnomAD exomes 0.00006; ESP Exome Variant Server 0.00008; ExAC 0.00010.
gnomAD v4.1: 97 of 1,613,646 alleles (0.006%); highest among the groups gnomAD compares: Middle Eastern, 0.017%; no homozygotes.

Submissions (5):

CeGaT Center for Human Genetics Tuebingen
Classification: Likely benign. Last evaluated: 2026-05-01. Review status: criteria provided, single submitter. Criteria: CeGaT Center For Human Genetics Tuebingen Variant Classification Criteria Version 2. Collection method: clinical testing. Allele origin: germline. Affected: yes. Observed: 3 variant alleles.
Comment: TTN: BP4

Molecular Diagnostic Laboratory for Inherited Cardiovascular Disease, Montreal Heart Institute
Classification: Likely benign. Last evaluated: 2026-03-27. Review status: criteria provided, single submitter. Criteria: ACMG Guidelines, 2015. Collection method: clinical testing. Allele origin: germline. Affected: no.

Blueprint Genetics
Classification: Likely benign. Last evaluated: 2023-12-18. Review status: criteria provided, single submitter. Criteria: ACMG Guidelines, 2015. Collection method: clinical testing. Allele origin: germline.

Women's Health and Genetics/Laboratory Corporation of America, LabCorp
Classification: Uncertain significance. Last evaluated: 2023-06-19. Review status: criteria provided, single submitter. Criteria: LabCorp Variant Classification Summary - May 2015. Collection method: clinical testing. Allele origin: germline.
Comment: Variant summary: TTN c.87691A>G (p.Ile29231Val) results in a conservative amino acid change located in the A-band region of the encoded protein sequence. Four of five in-silico tools predict a benign effect of the variant on protein function. The variant allele was found at a frequency of 6.4e-05 in 248350 control chromosomes in GnomAD. This frequency is not significantly higher than estimated for a pathogenic variant in TTN causing Dilated Cardiomyopathy (6.4e-05 vs 0.00039), allowing no conclusion about variant significance. c.87691A>G has been reported in the literature in individuals affected with Dilated Cardiomyopathy (example: Mazzarotto_2020). These report(s) do not provide unequivocal conclusions about association of the variant with Dilated Cardiomyopathy. To our knowledge, no experimental evidence demonstrating an impact on protein function has been reported. The following publication have been ascertained in the context of this evaluation (PMID: 31983221). One clinical diagnostic laboratory has submitted clinical-significance assessment (likely benign) for this variant to ClinVar after 2014 without evidence for independent evaluation. Based on the evidence outlined above, the variant was classified as uncertain significance.

GeneDx
Classification: Likely benign. Last evaluated: 2018-04-09. Review status: criteria provided, single submitter. Criteria: GeneDx Variant Classification (06012015). Collection method: clinical testing. Allele origin: germline. Affected: yes.
Comment: This variant is considered likely benign or benign based on one or more of the following criteria: it is a conservative change, it occurs at a poorly conserved position in the protein, it is predicted to be benign by multiple in silico algorithms, and/or has population frequency not consistent with disease.

Literature cited by the submitters: PubMed 31983221 (cited by Women's Health and Genetics/Laboratory Corporation of America, LabCorp).